The following is an entry in ClinVar:

NM_001291415.2(KDM6A):c.520G>A (p.Gly174Arg)

Gene: KDM6A (lysine demethylase 6A; plus strand). Cytogenetic location: Xp11.3.
Variant type: single nucleotide variant.
Coding change: c.520G>A on transcript NM_001291415.2 (MANE Select); coding-DNA position 520, G replaced by A.
Protein change: p.Gly174Arg; replaces glycine 174 with arginine.
Molecular consequence: missense variant. On other transcripts: non-coding transcript variant (1), intron variant (1).
Genome position (GRCh38, 1-based): chrX:45,020,686, G>A. VCF-style: chrX-45020686-G-A. GRCh37 (hg19) VCF-style: chrX-44879931-G-A.
Other names: c.520G>A, p.Gly174Arg (NM_001291416.2, NM_001291417.2, NM_001291418.2 and 9 more transcripts); c.-190+9667G>A (NM_001291421.2); short protein forms G174R.
Identifiers: ClinVar variation 3364974 (VCV003364974.1).

ClinVar aggregate classification (germline): Pathogenic (1 of 4 stars; one submission).

Submission:

GeneDx
Classification: Pathogenic. Last evaluated: 2024-04-17. Review status: criteria provided, single submitter. Criteria: GeneDx Variant Classification Process June 2021. Collection method: clinical testing. Allele origin: germline. Affected: yes.
Comment: In silico analysis supports that this missense variant has a deleterious effect on protein structure/function; Not observed at significant frequency in large population cohorts (gnomAD); This variant is associated with the following publications: (PMID: 33674768, 35982159, 33057194, 33504798)